The following is an entry in ClinVar:

ClinVar aggregate classification (germline): Pathogenic (1 of 4 stars; one submission).

Submission:

Labcorp Genetics (formerly Invitae), Labcorp
Classification: Pathogenic. Last evaluated: 2023-02-01. Review status: criteria provided, single submitter. Criteria: Invitae Variant Classification Sherloc (09022015). Collection method: clinical testing. Allele origin: germline.
Comment: This sequence change creates a premature translational stop signal (p.Glu386Aspfs*38) in the POLE gene. It is expected to result in an absent or disrupted protein product. Loss-of-function variants in POLE are known to be pathogenic (PMID: 23230001, 25948378, 30503519). This variant is not present in population databases (gnomAD no frequency). This variant has not been reported in the literature in individuals affected with POLE-related conditions. For these reasons, this variant has been classified as Pathogenic.

Literature cited by the submitters: PubMed 23230001; PubMed 25948378; PubMed 30503519.

NM_006231.4(POLE):c.1157_1158insT (p.Glu386fs)

Gene: POLE (DNA polymerase epsilon, catalytic subunit; minus strand). Cytogenetic location: 12q24.33.
Variant type: Insertion.
Coding change: c.1157_1158insT on transcript NM_006231.4 (MANE Select); coding-DNA positions 1157 to 1158, T inserted.
Protein change: p.Glu386fs; shifts the reading frame from glutamic acid 386.
Molecular consequence: frameshift variant.
Genome position: GRCh38 VCF-style: chr12-132675466-C-CA. GRCh37 (hg19) VCF-style: chr12-133252052-C-CA.
Other names: short protein forms E386fs.
Identifiers: ClinVar variation 2833485 (VCV002833485.3), dbSNP rs2542158730, ClinGen allele CA2739277374.
Genomic context (GRCh38, chr12:132,675,466, plus strand): 5'-GTCCATGTGGATGCACTGGGGCGCCTTGTACTCCCCCTGGCTGTCCTTCTGGAAGCCTAT[C>CA]TCCTGCTGCATGCTCAGACCGTGGACTGCTGCCCGGGCCTCCACAAATGGCCTGGGTTGG-3'